The following is an entry in ClinVar:

ClinVar aggregate classification (germline): Conflicting classifications of pathogenicity. Review status: criteria provided, conflicting classifications (1 of 4 stars). 4 submissions from 4 submitters: Uncertain significance (1); Likely benign (3). Last evaluated 2026-07-01.

Conditions:
DRP2-related disorder. Also called: DRP2-related condition.

Allele frequency attached by ClinVar (database versions not stated): gnomAD 0.00004; gnomAD exomes 0.00007 and 0.00010; TOPMed 0.00009; ExAC 0.00003.
gnomAD v4.1: 111 of 1,209,942 alleles (0.0092%); highest among the groups gnomAD compares: Middle Eastern, 0.046%; no homozygotes.

Submissions (4):

PreventionGenetics, part of Exact Sciences
Classification: Likely benign for DRP2-related condition. Last evaluated: 2026-07-01. Review status: criteria provided, single submitter. Criteria: ACMG Guidelines, 2015. Collection method: clinical testing. Allele origin: germline.
Comment: This variant is classified as likely benign based on ACMG/AMP sequence variant interpretation guidelines (Richards et al. 2015 PMID: 25741868, with internal and published modifications).

Women's Health and Genetics/Laboratory Corporation of America, LabCorp
Classification: Likely benign. Last evaluated: 2026-01-06. Review status: criteria provided, single submitter. Criteria: LabCorp Variant Classification Summary - May 2015. Collection method: clinical testing. Allele origin: germline.
Comment: Variant summary: DRP2 c.646A>G (p.Thr216Ala) results in a non-conservative amino acid change in the encoded protein sequence. Algorithms developed to predict the effect of missense changes on protein structure and function are either unavailable or do not agree on the potential impact of this missense change. The variant allele was found at a frequency of 6.6e-05 in 183171 control chromosomes, predominantly at a frequency of 0.00012 within the Non-Finnish European subpopulation in the gnomAD database v2. This frequency is not significantly higher than estimated for disease-causing variants in DRP2, allowing no conclusion about variant significance. However, a total of 29 hemizygotes of this variant was reported in gnomAD v4 database. To our knowledge, no occurrence of c.646A>G in individuals affected with DRP2-related conditions and no experimental evidence demonstrating its impact on protein function have been reported. ClinVar contains an entry for this variant (Variation ID: 1379392). Based on the evidence outlined above, the variant was classified as likely benign.

Labcorp Genetics (formerly Invitae), Labcorp
Classification: Uncertain significance. Last evaluated: 2025-11-01. Review status: criteria provided, single submitter. Criteria: Invitae Variant Classification Sherloc (09022015). Collection method: clinical testing. Allele origin: germline.
Comment: This sequence change replaces threonine, which is neutral and polar, with alanine, which is neutral and non-polar, at codon 216 of the DRP2 protein (p.Thr216Ala). This variant is present in population databases (rs749587463, gnomAD 0.01%). This variant has not been reported in the literature in individuals affected with DRP2-related conditions. ClinVar contains an entry for this variant (Variation ID: 1379392). Invitae Evidence Modeling of protein sequence and biophysical properties (such as structural, functional, and spatial information, amino acid conservation, physicochemical variation, residue mobility, and thermodynamic stability) indicates that this missense variant is not expected to disrupt DRP2 protein function with a negative predictive value of 80%. In summary, the available evidence is currently insufficient to determine the role of this variant in disease. Therefore, it has been classified as a Variant of Uncertain Significance.

CeGaT Center for Human Genetics Tuebingen
Classification: Likely benign. Last evaluated: 2022-12-01. Review status: criteria provided, single submitter. Criteria: CeGaT Center For Human Genetics Tuebingen Variant Classification Criteria Version 2. Collection method: clinical testing. Allele origin: germline. Affected: yes. Observed: 2 variant alleles.
Comment: DRP2: BS2

NM_001939.3(DRP2):c.646A>G (p.Thr216Ala)

Gene: DRP2 (dystrophin related protein 2; plus strand). Cytogenetic location: Xq22.1.
Variant type: single nucleotide variant.
Coding change: c.646A>G on transcript NM_001939.3 (MANE Select); coding-DNA position 646, A replaced by G.
Protein change: p.Thr216Ala; replaces threonine 216 with alanine.
Molecular consequence: missense variant.
Genome position (GRCh38, 1-based): chrX:101,241,754, A>G. VCF-style: chrX-101241754-A-G. GRCh37 (hg19) VCF-style: chrX-100496743-A-G.
Other names: c.412A>G, p.Thr138Ala (NM_001171184.2); c.646A>G (NM_001939.2); short protein forms T216A, T138A.
Identifiers: ClinVar variation 1379392 (VCV001379392.33), dbSNP rs749587463, ClinGen allele CA10472116.